The following is an entry in ClinVar:

NM_006086.4(TUBB3):c.167-6C>T

Gene: TUBB3 (tubulin beta 3 class III; plus strand). Cytogenetic location: 16q24.3.
Variant type: single nucleotide variant.
Coding change: c.167-6C>T on transcript NM_006086.4 (MANE Select); 6 bases into the intron before coding-DNA position 167, C replaced by T.
Molecular consequence: intron variant.
Genome position (GRCh38, 1-based): chr16:89,933,462, C>T. VCF-style: chr16-89933462-C-T. GRCh37 (hg19) VCF-style: chr16-89999870-C-T.
Other names: p.?; c.-50-6C>T (NM_001197181.2).
Identifiers: ClinVar variation 160190 (VCV000160190.13), dbSNP rs144873806, ClinGen allele CA213294.

ClinVar aggregate classification (germline): Conflicting classifications of pathogenicity. Review status: criteria provided, conflicting classifications (1 of 4 stars). 4 submissions from 4 submitters: Uncertain significance (1); Benign (1); Likely benign (1). 1 of the submissions does not count toward it. Last evaluated 2025-06-20.

Conditions:
Complex cortical dysplasia with other brain malformations 1. Identifiers: Orphanet 300570, MedGen C3808397, MONDO:0013541, OMIM 614039.
TUBB3-related disorder. Also called: TUBB3-related condition; TUBB3-related disorders.

Allele frequency attached by ClinVar (database versions not stated): TOPMed 0.00021; ESP Exome Variant Server 0.00031; gnomAD 0.00031 and 0.00033; gnomAD exomes 0.00051; ExAC 0.00059; 1000 Genomes Project 0.00060; 1000 Genomes Project 30x 0.00062.
gnomAD v4.1: 495 of 1,612,280 alleles (0.031%); highest among the groups gnomAD compares: Admixed American, 0.045%; no homozygotes.

Submissions (4):

Labcorp Genetics (formerly Invitae), Labcorp
Classification: Benign. Last evaluated: 2025-06-20. Review status: criteria provided, single submitter. Criteria: Invitae Variant Classification Sherloc (09022015). Collection method: clinical testing. Allele origin: germline.

Mayo Clinic Laboratories, Mayo Clinic
Classification: Likely benign. Last evaluated: 2024-06-10. Review status: criteria provided, single submitter. Criteria: ACMG Guidelines, 2015. Collection method: clinical testing. Allele origin: germline. Observed: 2 variant alleles.

Genetic Services Laboratory, University of Chicago
Classification: Uncertain significance for Cortical dysplasia, complex, with other brain malformations 1. Last evaluated: 2013-05-29. Review status: criteria provided, single submitter. Criteria: ACMG Guidelines, 2007. Collection method: clinical testing. Allele origin: germline. Inheritance: Autosomal dominant inheritance.

PreventionGenetics, part of Exact Sciences
Classification: Likely benign for TUBB3-related condition. Last evaluated: 2020-10-27. Review status: no assertion criteria provided. Collection method: clinical testing. Allele origin: germline. Not counted in ClinVar's aggregate classification.
Comment: This variant is classified as likely benign based on ACMG/AMP sequence variant interpretation guidelines (Richards et al. 2015 PMID: 25741868, with internal and published modifications).